The following is an entry in ClinVar:

NM_000051.4(ATM):c.251C>T (p.Ala84Val)

Gene: ATM (ATM serine/threonine kinase; plus strand). Cytogenetic location: 11q22.3.
Variant type: single nucleotide variant.
Coding change: c.251C>T on transcript NM_000051.4 (MANE Select); coding-DNA position 251, C replaced by T.
Protein change: p.Ala84Val; replaces alanine 84 with valine.
Molecular consequence: missense variant.
Genome position (GRCh38, 1-based): chr11:108,229,243, C>T. VCF-style: chr11-108229243-C-T. GRCh37 (hg19) VCF-style: chr11-108099970-C-T.
Other names: c.251C>T, p.Ala84Val (NM_001351834.2, NM_001351835.2, NM_001351836.2); short protein forms A84V.
Identifiers: ClinVar variation 141686 (VCV000141686.20), dbSNP rs587781937, ClinGen allele CA166128.

ClinVar aggregate classification (germline): Conflicting classifications of pathogenicity. Review status: criteria provided, conflicting classifications (1 of 4 stars). 6 submissions from 6 submitters: Uncertain significance (4); Likely benign (1). 1 of the submissions does not count toward it. Last evaluated 2026-01-29.

Conditions:
Hereditary cancer-predisposing syndrome. Also called: Neoplastic Syndromes, Hereditary; Hereditary Cancer Syndrome; Hereditary neoplastic syndrome; Tumor predisposition. Identifiers: Orphanet 140162, MedGen C0027672, MeSH D009386, MONDO:0015356.
Ataxia-telangiectasia syndrome (AT). Also called: Cerebello-oculocutaneous telangiectasia; Immunodeficiency with ataxia telangiectasia; Ataxia-telangiectasia, complementation group D; AT, COMPLEMENTATION GROUP C; ATAXIA-TELANGIECTASIA, FRESNO VARIANT; ATAXIA-TELANGIECTASIA, COMPLEMENTATION GROUP A. Identifiers: Orphanet 100, MedGen C0004135, MONDO:0008840, OMIM 208900.

Allele frequency attached by ClinVar (database versions not stated): gnomAD exomes below 0.00001; ExAC 0.00001.
gnomAD v4.1: 2 of 1,613,562 alleles (0.00012%); highest among the groups gnomAD compares: East Asian, 0.0045%; no homozygotes.

Submissions (6):

Labcorp Genetics (formerly Invitae), Labcorp
Classification: Uncertain significance for Ataxia-telangiectasia syndrome. Last evaluated: 2026-01-29. Review status: criteria provided, single submitter. Criteria: Invitae Variant Classification Sherloc (09022015). Collection method: clinical testing. Allele origin: germline.
Comment: This sequence change replaces alanine, which is neutral and non-polar, with valine, which is neutral and non-polar, at codon 84 of the ATM protein (p.Ala84Val). This variant is present in population databases (rs587781937, gnomAD 0.006%). This missense change has been observed in individual(s) with breast cancer and/or prostate cancer (PMID: 31248605, 35218119). ClinVar contains an entry for this variant (Variation ID: 141686). Invitae Evidence Modeling of protein sequence and biophysical properties (such as structural, functional, and spatial information, amino acid conservation, physicochemical variation, residue mobility, and thermodynamic stability) indicates that this missense variant is not expected to disrupt ATM protein function with a negative predictive value of 95%. In summary, the available evidence is currently insufficient to determine the role of this variant in disease. Therefore, it has been classified as a Variant of Uncertain Significance.

Ambry Genetics
Classification: Likely benign for Hereditary cancer-predisposing syndrome. Last evaluated: 2024-05-21. Review status: criteria provided, single submitter. Criteria: Ambry Variant Classification Scheme 2023. Collection method: clinical testing. Allele origin: germline.

Women's Health and Genetics/Laboratory Corporation of America, LabCorp
Classification: Uncertain significance. Last evaluated: 2023-04-27. Review status: criteria provided, single submitter. Criteria: LabCorp Variant Classification Summary - May 2015. Collection method: clinical testing. Allele origin: germline.
Comment: Variant summary: ATM c.251C>T (p.Ala84Val) results in a non-conservative amino acid change located in the Telomere-length maintenance and DNA damage repair domain (IPR021668) of the encoded protein sequence. Three of five in-silico tools predict a benign effect of the variant on protein function. The variant allele was found at a frequency of 2.2e-05 in 275930 control chromosomes (gnomAD, Momozawa_2018). The available data on variant occurrences in the general population are insufficient to allow any conclusion about variant significance. c.251C>T has been reported in the literature in one individual affected prostate cancer, however co-occurrence with another pathogenic variant has been reported in this individual (BRCA2 c.9070_9073del, p.N3024fs), providing supporting evidence for a benign role. To our knowledge, no experimental evidence demonstrating an impact on protein function has been reported. The following publications have been ascertained in the context of this evaluation (PMID: 30287823, 31248605). Five ClinVar submitters have assessed the variant since 2014: all five classified the variant as uncertain significance. Based on the evidence outlined above, the variant was classified as uncertain significance.

Color Diagnostics, LLC DBA Color Health
Classification: Uncertain significance for Hereditary cancer-predisposing syndrome. Last evaluated: 2023-03-28. Review status: criteria provided, single submitter. Criteria: ACMG Guidelines, 2015. Collection method: clinical testing. Allele origin: germline.
Comment: This missense variant replaces alanine with valine at codon 84 of the ATM protein. Computational prediction suggests that this variant may not impact protein structure and function (internally defined REVEL score threshold <= 0.5, PMID: 27666373). To our knowledge, functional studies have not been reported for this variant. This variant has not been reported in individuals affected with ATM-related disorders in the literature. This variant has been identified in 1/250950 chromosomes in the general population by the Genome Aggregation Database (gnomAD). The available evidence is insufficient to determine the role of this variant in disease conclusively. Therefore, this variant is classified as a Variant of Uncertain Significance.

GeneDx
Classification: Uncertain significance. Last evaluated: 2022-05-16. Review status: criteria provided, single submitter. Criteria: GeneDx Variant Classification Process June 2021. Collection method: clinical testing. Allele origin: germline. Affected: yes.
Comment: Not observed at significant frequency in large population cohorts (gnomAD); In silico analysis supports that this missense variant has a deleterious effect on protein structure/function; Observed in at least one unaffected male control and not observed in any female or male breast cancer cases in published literature (Momozawa 2018); This variant is associated with the following publications: (PMID: 30287823)

Natera, Inc.
Classification: Uncertain significance for Ataxia-telangiectasia. Last evaluated: 2020-09-16. Review status: no assertion criteria provided. Collection method: clinical testing. Allele origin: germline. Not counted in ClinVar's aggregate classification.

Literature cited by the submitters: PubMed 31248605 (cited by Labcorp Genetics (formerly Invitae), Labcorp and Women's Health and Genetics/Laboratory Corporation of America, LabCorp); PubMed 35218119 (cited by Labcorp Genetics (formerly Invitae), Labcorp); PubMed 30287823 (cited by Women's Health and Genetics/Laboratory Corporation of America, LabCorp).